The following is an entry in ClinVar:

NM_001267550.2(TTN):c.101573T>C (p.Val33858Ala)

Genes: TTN (titin; minus strand), TTN-AS1 (TTN antisense RNA 1; plus strand). Cytogenetic location: 2q31.2.
Variant type: single nucleotide variant.
Coding change: c.101573T>C on transcript NM_001267550.2 (MANE Select); coding-DNA position 101573, T replaced by C.
Protein change: p.Val33858Ala; replaces valine 33858 with alanine.
Molecular consequence: missense variant.
Genome position (GRCh38, 1-based): chr2:178,535,042, A>G on the plus strand (T>C on the coding strand, the complement: TTN is on the minus strand). VCF-style: chr2-178535042-A-G. GRCh37 (hg19) VCF-style: chr2-179399769-A-G.
Other names: c.96650T>C, p.Val32217Ala (NM_001256850.1); c.74378T>C, p.Val24793Ala (NM_003319.4); c.93869T>C, p.Val31290Ala (NM_133378.4); c.74753T>C, p.Val24918Ala (NM_133432.3); c.74954T>C, p.Val24985Ala (NM_133437.4); short protein forms V31290A, V24985A, V24793A, V24918A, V32217A, V33858A.
Identifiers: ClinVar variation 1489837 (VCV001489837.6), dbSNP rs1172459056, ClinGen allele CA349420382.
Genomic context (GRCh38, chr2:178,535,042, plus strand): 5'-AGGTGTAAGATGTTTCTATGCCTAGCAATATTCAGAATGGAAATTTCCTTCTTTACCAAA[A>G]CCTGATCAGTCCCTTTGACTTTAACAAATTTGGCCATGTATGTCTTCTTTGAGGATGTTT-3'
Protein context (NP_001254479.2, residues 33848-33868): KFVKVKGTDQ[Val33858Ala]LVKKEISILN

ClinVar aggregate classification (germline): Uncertain significance (1 of 4 stars; one submission).

Conditions:
Dilated cardiomyopathy 1G (CMD1G). Identifiers: Orphanet 154, MedGen C1858763, MONDO:0011400, OMIM 604145.
Autosomal recessive limb-girdle muscular dystrophy type 2J (LGMDR10). Also called: Limb-girdle muscular dystrophy, type 2J; MUSCULAR DYSTROPHY, LIMB-GIRDLE, AUTOSOMAL RECESSIVE 10. Identifiers: Orphanet 140922, MedGen C1837342, MONDO:0012127, OMIM 608807.

Submission:

Labcorp Genetics (formerly Invitae), Labcorp
Classification: Uncertain significance for Dilated cardiomyopathy 1G; Autosomal recessive limb-girdle muscular dystrophy type 2J. Last evaluated: 2021-11-03. Review status: criteria provided, single submitter. Criteria: Invitae Variant Classification Sherloc (09022015). Collection method: clinical testing. Allele origin: germline.
Comment: This sequence change replaces valine, which is neutral and non-polar, with alanine, which is neutral and non-polar, at codon 33858 of the TTN protein (p.Val33858Ala). This variant is not present in population databases (gnomAD no frequency). This variant has not been reported in the literature in individuals affected with TTN-related conditions. Experimental studies and prediction algorithms are not available or were not evaluated, and the functional significance of this variant is currently unknown. In summary, the available evidence is currently insufficient to determine the role of this variant in disease. Therefore, it has been classified as a Variant of Uncertain Significance. This variant is located in the M band of TTN (PMID: 25589632). Variants in this region may be relevant for neuromuscular disorders, but have not been definitively shown to cause cardiomyopathy (PMID: 23975875).

Literature cited by the submitters: PubMed 25589632; PubMed 23975875.